The following is an entry in ClinVar:

NM_000501.4(ELN):c.1303G>A (p.Val435Ile)

Gene: ELN (elastin; plus strand). Cytogenetic location: 7q11.23.
Variant type: single nucleotide variant.
Coding change: c.1303G>A on transcript NM_000501.4 (MANE Select); coding-DNA position 1303, G replaced by A.
Protein change: p.Val435Ile; replaces valine 435 with isoleucine.
Molecular consequence: missense variant. On other transcripts: intron variant (2).
Genome position (GRCh38, 1-based): chr7:74,056,423, G>A. VCF-style: chr7-74056423-G-A. GRCh37 (hg19) VCF-style: chr7-73470753-G-A.
Other names: c.1273G>A, p.Val425Ile (NM_001081752.3, NM_001278917.2); c.1318G>A, p.Val440Ile (NM_001081753.3, NM_001081754.3); c.1303G>A, p.Val435Ile (NM_001081755.3, NM_001278912.2, NM_001278915.2 and 1 more transcripts); c.1288G>A, p.Val430Ile (NM_001278914.2); c.1261G>A, p.Val421Ile (NM_001278916.2); c.1129+66G>A (NM_001278913.2); c.1105+66G>A (NM_001278918.2); short protein forms V435I, V440I, V430I, V421I, V425I.
Identifiers: ClinVar variation 2051576 (VCV002051576.5), dbSNP rs782258150, ClinGen allele CA367881865.

ClinVar aggregate classification (germline): Uncertain significance. Review status: criteria provided, multiple submitters, no conflicts (2 of 4 stars). 2 submissions from 2 submitters: Uncertain significance (2). Last evaluated 2024-09-10.

Conditions:
Inborn genetic diseases. Identifiers: MedGen C0950123, MeSH D030342.
Supravalvar aortic stenosis (SVAS). Also called: Supravalvar aortic stenosis, Eisenberg type. Identifiers: Orphanet 3193, MedGen C0003499, MONDO:0008504, OMIM 185500, HP:0004381.

Allele frequency attached by ClinVar (database versions not stated): gnomAD 0.00002; TOPMed 0.00002.
gnomAD v4.1: 32 of 1,613,704 alleles (0.002%); highest among the groups gnomAD compares: Non-Finnish European, 0.0027%; no homozygotes.

Submissions (2):

Labcorp Genetics (formerly Invitae), Labcorp
Classification: Uncertain significance for Supravalvar aortic stenosis. Last evaluated: 2024-09-10. Review status: criteria provided, single submitter. Criteria: Invitae Variant Classification Sherloc (09022015). Collection method: clinical testing. Allele origin: germline.
Comment: This sequence change replaces valine, which is neutral and non-polar, with isoleucine, which is neutral and non-polar, at codon 435 of the ELN protein (p.Val435Ile). This variant is present in population databases (no rsID available, gnomAD 0.002%). This variant has not been reported in the literature in individuals affected with ELN-related conditions. ClinVar contains an entry for this variant (Variation ID: 2051576). Invitae Evidence Modeling of protein sequence and biophysical properties (such as structural, functional, and spatial information, amino acid conservation, physicochemical variation, residue mobility, and thermodynamic stability) indicates that this missense variant is not expected to disrupt ELN protein function with a negative predictive value of 80%. In summary, the available evidence is currently insufficient to determine the role of this variant in disease. Therefore, it has been classified as a Variant of Uncertain Significance.

Ambry Genetics
Classification: Uncertain significance for Inborn genetic diseases. Last evaluated: 2022-12-27. Review status: criteria provided, single submitter. Criteria: Ambry Variant Classification Scheme 2023. Collection method: clinical testing. Allele origin: germline.